The following is an entry in ClinVar:

ClinVar aggregate classification (germline): Uncertain significance (1 of 4 stars; one submission).

Conditions:
Hereditary cancer-predisposing syndrome. Also called: Neoplastic Syndromes, Hereditary; Tumor predisposition; Hereditary neoplastic syndrome; Hereditary Cancer Syndrome. Identifiers: Orphanet 140162, MedGen C0027672, MeSH D009386, MONDO:0015356.

Submission:

Ambry Genetics
Classification: Uncertain significance for Hereditary cancer-predisposing syndrome. Last evaluated: 2023-11-15. Review status: criteria provided, single submitter. Criteria: Ambry Variant Classification Scheme 2023. Collection method: clinical testing. Allele origin: germline.
Comment: The p.E2824V variant (also known as c.8471A>T), located in coding exon 15 of the APC gene, results from an A to T substitution at nucleotide position 8471. The glutamic acid at codon 2824 is replaced by valine, an amino acid with dissimilar properties. This amino acid position is conserved. In addition, in silico predictors for this gene do not accurately predict pathogenicity. Since supporting evidence is limited at this time, the clinical significance of this alteration remains unclear.

NM_000038.6(APC):c.8471A>T (p.Glu2824Val)

Gene: APC (APC regulator of Wnt signaling pathway; plus strand). Cytogenetic location: 5q22.2.
Variant type: single nucleotide variant.
Coding change: c.8471A>T on transcript NM_000038.6 (MANE Select); coding-DNA position 8471, A replaced by T.
Protein change: p.Glu2824Val; replaces glutamic acid 2824 with valine.
Molecular consequence: missense variant. On other transcripts: non-coding transcript variant (2).
Genome position (GRCh38, 1-based): chr5:112,844,065, A>T. VCF-style: chr5-112844065-A-T. GRCh37 (hg19) VCF-style: chr5-112179762-A-T.
Other names: c.8471A>T, p.Glu2824Val (NM_001127510.3, NM_001354895.2, NM_001407450.1); c.8417A>T, p.Glu2806Val (NM_001127511.3); c.8525A>T, p.Glu2842Val (NM_001354896.2, NM_001407447.1, NM_001407448.1 and 1 more transcripts); c.8501A>T, p.Glu2834Val (NM_001354897.2); c.8396A>T, p.Glu2799Val (NM_001354898.2); c.8387A>T, p.Glu2796Val (NM_001354899.2); c.8348A>T, p.Glu2783Val (NM_001354900.2); c.8294A>T, p.Glu2765Val (NM_001354901.2, NM_001407453.1); and 11 more; short protein forms E2440V, E2541V, E2664V, E2695V, E2698V, E2723V, E2733V, E2741V.
Identifiers: ClinVar variation 3231809 (VCV003231809.1), dbSNP rs2150005947, ClinGen allele CA16039709.